The following is an entry in ClinVar:

ClinVar aggregate classification (germline): Uncertain significance (1 of 4 stars; one submission).

Submission:

CeGaT Center for Human Genetics Tuebingen
Classification: Uncertain significance. Last evaluated: 2025-12-01. Review status: criteria provided, single submitter. Criteria: CeGaT Center For Human Genetics Tuebingen Variant Classification Criteria Version 2. Collection method: clinical testing. Allele origin: germline. Affected: yes. Observed: 1 variant allele.
Comment: ACP4: PM2, PP3

NM_033068.3(ACP4):c.928_929delinsCT (p.Ala310Leu)

Genes: ACP4 (acid phosphatase 4; plus strand), LOC130065005 (ATAC-STARR-seq lymphoblastoid active region 14997; plus strand). Cytogenetic location: 19q13.33.
Variant type: Indel.
Coding change: c.928_929delinsCT on transcript NM_033068.3 (MANE Select); coding-DNA positions 928 to 929, GC replaced by CT.
Protein change: p.Ala310Leu; replaces alanine 310 with leucine.
Molecular consequence: missense variant.
Genome position (GRCh38, 1-based): chr19:50,794,523-50,794,524, GC replaced by CT. VCF-style: chr19-50794523-GC-CT. GRCh37 (hg19) VCF-style: chr19-51297780-GC-CT.
Other names: short protein forms A310L.
Identifiers: ClinVar variation 4682091 (VCV004682091.5).
Genomic context (GRCh38, chr19:50,794,523, plus strand): 5'-AGCACCCTGCTGGCCCTCCAGGGGGCCCTGGGCCTCTATGATGGACACACCCCGCCATAT[GC>CT]TGCCTGCCTCGGCTTTGAGTTCCGGAAGCACCTGGGGAATCCCGCCAAAGATGGAGGGTG-3'
Protein context (NP_149059.1, residues 300-320): GLYDGHTPPY[Ala310Leu]ACLGFEFRKH